The following is an entry in ClinVar:

NM_000052.7(ATP7A):c.1777C>G (p.Leu593Val)

Gene: ATP7A (ATPase copper transporting alpha; plus strand). Cytogenetic location: Xq21.1.
Variant type: single nucleotide variant.
Coding change: c.1777C>G on transcript NM_000052.7 (MANE Select); coding-DNA position 1777, C replaced by G.
Protein change: p.Leu593Val; replaces leucine 593 with valine.
Molecular consequence: missense variant.
Genome position (GRCh38, 1-based): chrX:78,009,171, C>G. VCF-style: chrX-78009171-C-G. GRCh37 (hg19) VCF-style: chrX-77264668-C-G.
Other names: c.1777C>G (NM_000052.6); c.1777C>G, p.Leu593Val (NM_001282224.2); short protein forms L593V.
Identifiers: ClinVar variation 1510200 (VCV001510200.9), dbSNP rs2149093524, ClinGen allele CA413597112.

ClinVar aggregate classification (germline): Uncertain significance. Review status: criteria provided, single submitter (1 of 4 stars). 2 submissions from 2 submitters: Uncertain significance (1). 1 of the submissions does not count toward it. Last evaluated 2024-03-17.

Conditions:
Menkes kinky-hair syndrome (MNK). Also called: Classic Menkes Disease; Copper transport disease; Menkes Disease. Identifiers: Orphanet 565, MedGen C0022716, MONDO:0010651, OMIM 309400.
X-linked distal spinal muscular atrophy type 3. Also called: NEURONOPATHY, DISTAL HEREDITARY MOTOR, X-LINKED; NEUROPATHY, DISTAL HEREDITARY MOTOR, X-LINKED; ATP7A-Related Distal Motor Neuropathy; SPINAL MUSCULAR ATROPHY, DISTAL, X-LINKED RECESSIVE. Identifiers: Orphanet 139557, MedGen C1845359, MONDO:0010338, OMIM 300489.
Cutis laxa, X-linked (OHS). Also called: EDS IX; Occipital horn syndrome. Identifiers: Orphanet 198, MedGen C0268353, MONDO:0010572, OMIM 304150.

gnomAD v4.1: 4 of 1,209,234 alleles (0.00033%); highest among the groups gnomAD compares: Non-Finnish European, 0.00045%; no homozygotes.

Submissions (2):

Labcorp Genetics (formerly Invitae), Labcorp
Classification: Uncertain significance for X-linked distal spinal muscular atrophy type 3; Cutis laxa, X-linked; Menkes kinky-hair syndrome. Last evaluated: 2024-03-17. Review status: criteria provided, single submitter. Criteria: Invitae Variant Classification Sherloc (09022015). Collection method: clinical testing. Allele origin: germline.
Comment: This sequence change replaces leucine, which is neutral and non-polar, with valine, which is neutral and non-polar, at codon 593 of the ATP7A protein (p.Leu593Val). This variant is not present in population databases (gnomAD no frequency). This variant has not been reported in the literature in individuals affected with ATP7A-related conditions. ClinVar contains an entry for this variant (Variation ID: 1510200). Advanced modeling of protein sequence and biophysical properties (such as structural, functional, and spatial information, amino acid conservation, physicochemical variation, residue mobility, and thermodynamic stability) performed at Invitae indicates that this missense variant is not expected to disrupt ATP7A protein function with a negative predictive value of 95%. In summary, the available evidence is currently insufficient to determine the role of this variant in disease. Therefore, it has been classified as a Variant of Uncertain Significance.

Natera, Inc.
Classification: Uncertain significance for Menkes kinky hair syndrome. Last evaluated: 2025-05-21. Review status: no assertion criteria provided. Collection method: clinical testing. Allele origin: germline. Not counted in ClinVar's aggregate classification.